The following is an entry in ClinVar:

ClinVar aggregate classification (germline): Conflicting classifications of pathogenicity. Review status: criteria provided, conflicting classifications (1 of 4 stars). 4 submissions from 4 submitters: Uncertain significance (3); Likely benign (1). Last evaluated 2026-09-17.

Conditions:
ADGRV1-related disorder. Also called: ADGRV1-related condition; ADGRV1-related disorders.

Allele frequency attached by ClinVar (database versions not stated): TOPMed 0.00002.
gnomAD v4.1: 6 of 1,409,474 alleles (0.00043%); highest among the groups gnomAD compares: Admixed American, 0.015%; no homozygotes.

Submissions (4):

PreventionGenetics, part of Exact Sciences
Classification: Uncertain significance for ADGRV1-related condition. Last evaluated: 2026-09-17. Review status: criteria provided, single submitter. Criteria: ACMG Guidelines, 2015. Collection method: clinical testing. Allele origin: germline.
Comment: The ADGRV1 c.16999A>T variant is predicted to result in the amino acid substitution p.Met5667Leu. To our knowledge, this variant has not been reported in the literature. This variant is reported in 0.041% of alleles in individuals of Latino descent in gnomAD. At this time, the clinical significance of this variant is uncertain due to the absence of conclusive functional and genetic evidence.

Labcorp Genetics (formerly Invitae), Labcorp
Classification: Likely benign. Last evaluated: 2025-11-04. Review status: criteria provided, single submitter. Criteria: Invitae Variant Classification Sherloc (09022015). Collection method: clinical testing. Allele origin: germline.

GeneDx
Classification: Uncertain significance. Last evaluated: 2025-08-02. Review status: criteria provided, single submitter. Criteria: GeneDx Variant Classification Process June 2021. Collection method: clinical testing. Allele origin: germline. Affected: yes.
Comment: In silico analysis suggests that this missense variant does not alter protein structure/function; Has not been previously published as pathogenic or benign to our knowledge

Women's Health and Genetics/Laboratory Corporation of America, LabCorp
Classification: Uncertain significance. Last evaluated: 2024-07-23. Review status: criteria provided, single submitter. Criteria: LabCorp Variant Classification Summary - May 2015. Collection method: clinical testing. Allele origin: germline.
Comment: Variant summary: ADGRV1 c.16999A>T (p.Met5667Leu) results in a conservative amino acid change in the encoded protein sequence. Four of five in-silico tools predict a benign effect of the variant on protein function. The variant allele was found at a frequency of 3.9e-05 in 155220 control chromosomes. The available data on variant occurrences in the general population are insufficient to allow any conclusion about variant significance. To our knowledge, no occurrence of c.16999A>T in individuals affected with ADGRV1-Related Disorders and no experimental evidence demonstrating its impact on protein function have been reported. ClinVar contains an entry for this variant (Variation ID: 1003501). Based on the evidence outlined above, the variant was classified as uncertain significance.

NM_032119.4(ADGRV1):c.16999A>T (p.Met5667Leu)

Gene: ADGRV1 (adhesion G protein-coupled receptor V1; plus strand). Cytogenetic location: 5q14.3.
Variant type: single nucleotide variant.
Coding change: c.16999A>T on transcript NM_032119.4 (MANE Select); coding-DNA position 16999, A replaced by T.
Protein change: p.Met5667Leu; replaces methionine 5667 with leucine.
Molecular consequence: missense variant. On other transcripts: non-coding transcript variant (1).
Genome position (GRCh38, 1-based): chr5:90,840,965, A>T. VCF-style: chr5-90840965-A-T. GRCh37 (hg19) VCF-style: chr5-90136782-A-T.
Other names: short protein forms M5667L.
Identifiers: ClinVar variation 1003501 (VCV001003501.11), dbSNP rs201767389, ClinGen allele CA3342263.